The following is an entry in ClinVar:

NM_001875.5(CPS1):c.3666+1G>T

Gene: CPS1 (carbamoyl-phosphate synthase 1; plus strand). Cytogenetic location: 2q34.
Variant type: single nucleotide variant.
Coding change: c.3666+1G>T on transcript NM_001875.5 (MANE Select); the canonical splice donor site of the intron after coding-DNA position 3666, G replaced by T.
Molecular consequence: splice donor variant.
Genome position (GRCh38, 1-based): chr2:210,656,633, G>T. VCF-style: chr2-210656633-G-T. GRCh37 (hg19) VCF-style: chr2-211521357-G-T.
Other names: c.3666+1G>T (NM_001369257.1, NM_001122633.3); c.3699+1G>T (NM_001369256.1).
Identifiers: ClinVar variation 1381784 (VCV001381784.8), dbSNP rs761271604, ClinGen allele CA2087028.
Genomic context (GRCh38, chr2:210,656,633, plus strand): 5'-TCGGGAGATGCCACTCTGATGCTGCCCACACAAACCATCAGCCAAGGGGCCATTGAAAAG[G>T]TCATCATTTATAAATAAAAGTGGAAGGGAAAAGGCAACACTCAGAAAAAAACACCTAAGG-3'

ClinVar aggregate classification (germline): Pathogenic (1 of 4 stars; one submission).

Conditions:
Congenital hyperammonemia, type I. Also called: Carbamoyl phosphate synthetase I deficiency disease; Carbamoyl phosphate synthetase 1 deficiency; Hyperammonemia due to carbamoyl phosphate synthetase 1 deficiency; CPS 1 deficiency; Carbamyl phosphate synthetase (CPS) deficiency; Carbamoyl-phosphate synthase I deficiency. Identifiers: Orphanet 147, MedGen C4082171, MONDO:0009376, OMIM 237300.

Allele frequency attached by ClinVar (database versions not stated): gnomAD exomes below 0.00001; ExAC 0.00001.
gnomAD v4.1: 1 of 1,607,718 alleles (0.000062%); highest among the groups gnomAD compares: Non-Finnish European, 0.000085%; no homozygotes.

Submission:

Labcorp Genetics (formerly Invitae), Labcorp
Classification: Pathogenic for Congenital hyperammonemia, type I. Last evaluated: 2024-04-25. Review status: criteria provided, single submitter. Criteria: Invitae Variant Classification Sherloc (09022015). Collection method: clinical testing. Allele origin: germline.
Comment: This sequence change affects a donor splice site in intron 30 of the CPS1 gene. It is expected to disrupt RNA splicing. Variants that disrupt the donor or acceptor splice site typically lead to a loss of protein function (PMID: 16199547), and loss-of-function variants in CPS1 are known to be pathogenic (PMID: 21120950). This variant is present in population databases (rs761271604, gnomAD 0.0009%). Disruption of this splice site has been observed in individual(s) with carbamoyl phosphate synthetase I deficiency (Invitae). In at least one individual the data is consistent with being in trans (on the opposite chromosome) from a pathogenic variant. ClinVar contains an entry for this variant (Variation ID: 1381784). Algorithms developed to predict the effect of sequence changes on RNA splicing suggest that this variant may disrupt the consensus splice site. For these reasons, this variant has been classified as Pathogenic.

Literature cited by the submitters: PubMed 16199547; PubMed 21120950.